The following is an entry in ClinVar:

NM_000264.5(PTCH1):c.4318A>G (p.Arg1440Gly)

Gene: PTCH1 (patched 1; minus strand). Cytogenetic location: 9q22.32.
Variant type: single nucleotide variant.
Coding change: c.4318A>G on transcript NM_000264.5 (MANE Select); coding-DNA position 4318, A replaced by G.
Protein change: p.Arg1440Gly; replaces arginine 1440 with glycine.
Molecular consequence: missense variant. On other transcripts: non-coding transcript variant (1).
Genome position (GRCh38, 1-based): chr9:95,446,938, T>C on the plus strand (A>G on the coding strand, the complement: PTCH1 is on the minus strand). VCF-style: chr9-95446938-T-C. GRCh37 (hg19) VCF-style: chr9-98209220-T-C.
Other names: c.4120A>G, p.Arg1374Gly (NM_001083602.3); c.4315A>G, p.Arg1439Gly (NM_001083603.3); c.3865A>G, p.Arg1289Gly (NM_001083604.3, NM_001083605.3, NM_001083606.3 and 1 more transcripts); c.4162A>G, p.Arg1388Gly (NM_001354918.2); short protein forms R1440G, R1374G, R1439G, R1289G, R1388G.
Identifiers: ClinVar variation 571770 (VCV000571770.16), dbSNP rs1564004291, ClinGen allele CA374109847.

ClinVar aggregate classification (germline): Uncertain significance. Review status: criteria provided, multiple submitters, no conflicts (2 of 4 stars). 2 submissions from 2 submitters: Uncertain significance (2). Last evaluated 2025-06-23.

Conditions:
Hereditary cancer-predisposing syndrome. Also called: Hereditary neoplastic syndrome; Neoplastic Syndromes, Hereditary; Hereditary Cancer Syndrome; Tumor predisposition. Identifiers: Orphanet 140162, MedGen C0027672, MeSH D009386, MONDO:0015356.
Gorlin syndrome. Also called: Nevoid Basal Cell Carcinoma Syndrome; Basal cell nevus syndrome. Identifiers: Orphanet 377, MedGen C0004779, MONDO:0007187.

Submissions (2):

Labcorp Genetics (formerly Invitae), Labcorp
Classification: Uncertain significance for Gorlin syndrome. Last evaluated: 2025-06-23. Review status: criteria provided, single submitter. Criteria: Invitae Variant Classification Sherloc (09022015). Collection method: clinical testing. Allele origin: germline.
Comment: This sequence change replaces arginine, which is basic and polar, with glycine, which is neutral and non-polar, at codon 1440 of the PTCH1 protein (p.Arg1440Gly). This variant is not present in population databases (gnomAD no frequency). This variant has not been reported in the literature in individuals affected with PTCH1-related conditions. ClinVar contains an entry for this variant (Variation ID: 571770). Invitae Evidence Modeling of protein sequence and biophysical properties (such as structural, functional, and spatial information, amino acid conservation, physicochemical variation, residue mobility, and thermodynamic stability) indicates that this missense variant is not expected to disrupt PTCH1 protein function with a negative predictive value of 95%. In summary, the available evidence is currently insufficient to determine the role of this variant in disease. Therefore, it has been classified as a Variant of Uncertain Significance.

Ambry Genetics
Classification: Uncertain significance for Hereditary cancer-predisposing syndrome. Last evaluated: 2024-08-21. Review status: criteria provided, single submitter. Criteria: Ambry Variant Classification Scheme 2023. Collection method: clinical testing. Allele origin: germline.
Comment: The p.R1440G variant (also known as c.4318A>G), located in coding exon 23 of the PTCH1 gene, results from an A to G substitution at nucleotide position 4318. The arginine at codon 1440 is replaced by glycine, an amino acid with dissimilar properties. This amino acid position is not well conserved in available vertebrate species. In addition, this alteration is predicted to be tolerated by in silico analysis. Since supporting evidence is limited at this time, the clinical significance of this alteration remains unclear.